The following is an entry in ClinVar:

NM_000059.4(BRCA2):c.770del (p.Asn257fs)

Gene: BRCA2 (BRCA2 DNA repair associated; plus strand). Cytogenetic location: 13q13.1.
Variant type: Deletion.
Coding change: c.770del on transcript NM_000059.4 (MANE Select); coding-DNA position 770, one base deleted (A; older notation c.770delA).
Protein change: p.Asn257fs; shifts the reading frame from asparagine 257.
Molecular consequence: frameshift variant.
Genome position (GRCh38, 1-based): chr13:32,331,007, A deleted; the last of 3 consecutive A bases (chr13:32,331,005-32,331,007); deleting any one gives the same sequence. VCF-style (leftmost placement, unchanged base first): chr13-32331004-CA-C. GRCh37 (hg19) VCF-style: chr13-32905141-CA-C.
Other names: short protein forms N257fs.
Identifiers: ClinVar variation 863485 (VCV000863485.8), dbSNP rs2072387067, ClinGen allele CA916080540.

ClinVar aggregate classification (germline): Pathogenic (1 of 4 stars; one submission).

Conditions:
Hereditary breast ovarian cancer syndrome. Also called: Hereditary breast and ovarian cancer syndrome; Hereditary breast and/or ovarian cancer syndrome; Hereditary breast and ovarian cancer syndrome (HBOC); Breast and ovarian cancer; Hereditary breast and ovarian cancer; BRCA1- and BRCA2-Associated Hereditary Breast and Ovarian Cancer. Identifiers: Orphanet 145, MedGen C0677776, MeSH D061325, MONDO:0003582. Disease mechanism: loss of function.

Submission:

Labcorp Genetics (formerly Invitae), Labcorp
Classification: Pathogenic for Hereditary breast ovarian cancer syndrome. Last evaluated: 2019-12-08. Review status: criteria provided, single submitter. Criteria: Invitae Variant Classification Sherloc (09022015). Collection method: clinical testing. Allele origin: germline.
Comment: This sequence change creates a premature translational stop signal (p.Asn257Ilefs*20) in the BRCA2 gene. It is expected to result in an absent or disrupted protein product. For these reasons, this variant has been classified as Pathogenic. This variant is not present in population databases (ExAC no frequency). This variant has not been reported in the literature in individuals with BRCA2-related conditions. Loss-of-function variants in BRCA2 are known to be pathogenic (PMID: 20104584).

Literature cited by the submitters: PubMed 20104584.